The following is an entry in ClinVar:

ClinVar aggregate classification (germline): Conflicting classifications of pathogenicity. Review status: criteria provided, conflicting classifications (1 of 4 stars). 3 submissions from 3 submitters: Uncertain significance (1); Likely benign (2). Last evaluated 2025-08-17.

Conditions:
Inborn genetic diseases. Identifiers: MedGen C0950123, MeSH D030342.

Allele frequency attached by ClinVar (database versions not stated): gnomAD exomes below 0.00001; TOPMed 0.00001.
gnomAD v4.1: 2 of 1,614,196 alleles (0.00012%); highest among the groups gnomAD compares: Admixed American, 0.0033%; no homozygotes.

Submissions (3):

Labcorp Genetics (formerly Invitae), Labcorp
Classification: Likely benign. Last evaluated: 2025-08-17. Review status: criteria provided, single submitter. Criteria: Invitae Variant Classification Sherloc (09022015). Collection method: clinical testing. Allele origin: germline.

Ambry Genetics
Classification: Likely benign for Inborn genetic diseases. Last evaluated: 2023-12-21. Review status: criteria provided, single submitter. Criteria: Ambry Variant Classification Scheme 2023. Collection method: clinical testing. Allele origin: germline.

Women's Health and Genetics/Laboratory Corporation of America, LabCorp
Classification: Uncertain significance. Last evaluated: 2023-10-30. Review status: criteria provided, single submitter. Criteria: LabCorp Variant Classification Summary - May 2015. Collection method: clinical testing. Allele origin: germline.
Comment: Variant summary: KAT6A c.2849A>G (p.Gln950Arg) results in a conservative amino acid change in the encoded protein sequence. Five of five in-silico tools predict a benign effect of the variant on protein function. The variant allele was found at a frequency of 8e-06 in 251460 control chromosomes. The available data on variant occurrences in the general population are insufficient to allow any conclusion about variant significance. To our knowledge, no occurrence of c.2849A>G in individuals affected with features of KAT6A-syndromic intellectual disability such as Arboleda-Tham Syndrome, KAT6A syndrome, dominant intellectual disability, craniofacial anomalies-cardiac defects syndrome (ORPHA:457193), syndromic developmental delay have been reported. Additionally, no experimental evidence demonstrating its impact on protein function have been reported. No submitters have cited clinical-significance assessments for this variant to ClinVar after 2014. Based on the evidence outlined above, the variant was classified as uncertain significance.

NM_006766.5(KAT6A):c.2849A>G (p.Gln950Arg)

Gene: KAT6A (lysine acetyltransferase 6A; minus strand). Cytogenetic location: 8p11.21.
Variant type: single nucleotide variant.
Coding change: c.2849A>G on transcript NM_006766.5 (MANE Select); coding-DNA position 2849, A replaced by G.
Protein change: p.Gln950Arg; replaces glutamine 950 with arginine.
Molecular consequence: missense variant.
Genome position (GRCh38, 1-based): chr8:41,941,032, T>C on the plus strand (A>G on the coding strand, the complement: KAT6A is on the minus strand). VCF-style: chr8-41941032-T-C. GRCh37 (hg19) VCF-style: chr8-41798550-T-C.
Other names: c.2849A>G (NM_006766.3); short protein forms Q950R.
Identifiers: ClinVar variation 2637559 (VCV002637559.5), dbSNP rs925928897, ClinGen allele CA175944503.
Genomic context (GRCh38, chr8:41,941,032, plus strand): 5'-GGCAGCCTCTCACTTCCTTCTGTTAATCTGCACTTCAGAGCCTCAGGGCTTTTCTTGAGC[T>C]GTCCTCGCCAGGGCTCAACCCCCTCACTGAGTCTTCTCTTGGGAAGGTCAGGTTTCCCGT-3'
Protein context (NP_006757.2, residues 940-960): LSEGVEPWRG[Gln950Arg]LKKSPEALKC